The following is an entry in ClinVar:

ClinVar aggregate classification (germline): Likely benign. Review status: criteria provided, multiple submitters, no conflicts (2 of 4 stars). 3 submissions from 3 submitters: Likely benign (3). Last evaluated 2026-03-12.

Conditions:
KRT6A-related disorder. Also called: KRT6A-related condition.

Allele frequency attached by ClinVar (database versions not stated): 1000 Genomes Project 0.00100; 1000 Genomes Project 30x 0.00109.
gnomAD v4.1: 395 of 1,614,028 alleles (0.024%); highest among the groups gnomAD compares: East Asian, 0.47%; no homozygotes.

Submissions (3):

PreventionGenetics, part of Exact Sciences
Classification: Likely benign for KRT6A-related condition. Last evaluated: 2026-03-12. Review status: criteria provided, single submitter. Criteria: ACMG Guidelines, 2015. Collection method: clinical testing. Allele origin: germline.
Comment: This variant is classified as likely benign based on ACMG/AMP sequence variant interpretation guidelines (Richards et al. 2015 PMID: 25741868, with internal and published modifications).

Blueprint Genetics
Classification: Likely benign. Last evaluated: 2024-10-24. Review status: criteria provided, single submitter. Criteria: ACMG Guidelines, 2015. Collection method: clinical testing. Allele origin: germline.

Labcorp Genetics (formerly Invitae), Labcorp
Classification: Likely benign. Last evaluated: 2022-10-05. Review status: criteria provided, single submitter. Criteria: Invitae Variant Classification Sherloc (09022015). Collection method: clinical testing. Allele origin: germline.

NM_005554.4(KRT6A):c.1604T>C (p.Ile535Thr)

Gene: KRT6A (keratin 6A; minus strand). Cytogenetic location: 12q13.13.
Variant type: single nucleotide variant.
Coding change: c.1604T>C on transcript NM_005554.4 (MANE Select); coding-DNA position 1604, T replaced by C.
Protein change: p.Ile535Thr; replaces isoleucine 535 with threonine.
Molecular consequence: missense variant.
Genome position (GRCh38, 1-based): chr12:52,487,811, A>G on the plus strand (T>C on the coding strand, the complement: KRT6A is on the minus strand). VCF-style: chr12-52487811-A-G. GRCh37 (hg19) VCF-style: chr12-52881595-A-G.
Other names: c.1604T>C (NM_005554.3); short protein forms I535T.
Identifiers: ClinVar variation 2075297 (VCV002075297.6), dbSNP rs1053734, ClinGen allele CA6581750.